The following is an entry in ClinVar:

NM_013275.6(ANKRD11):c.7471-2A>G

Gene: ANKRD11 (ankyrin repeat domain containing 11; minus strand). Cytogenetic location: 16q24.3.
Variant type: single nucleotide variant.
Coding change: c.7471-2A>G on transcript NM_013275.6 (MANE Select); the canonical splice acceptor site of the intron before coding-DNA position 7471, A replaced by G.
Molecular consequence: splice acceptor variant.
Genome position (GRCh38, 1-based): chr16:89,275,193, T>C on the plus strand (A>G on the coding strand, the complement: ANKRD11 is on the minus strand). VCF-style: chr16-89275193-T-C. GRCh37 (hg19) VCF-style: chr16-89341601-T-C.
Other names: c.7471-2A>G (NM_001256183.2, NM_001256182.2).
Identifiers: ClinVar variation 451073 (VCV000451073.2), dbSNP rs1555523580, ClinGen allele CA397147984.

ClinVar aggregate classification (germline): Pathogenic (1 of 4 stars; one submission).

Submission:

GeneDx
Classification: Pathogenic. Last evaluated: 2017-08-11. Review status: criteria provided, single submitter. Criteria: GeneDx Variant Classification (06012015). Collection method: clinical testing. Allele origin: germline. Affected: yes.
Comment: The c.7471-2A>G variant in the ANKRD11 gene has not been reported previously as a pathogenic variant nor as a benign variant, to our knowledge. This splice site variant destroys the canonical splice acceptor site in intron 9. It is predicted to cause abnormal gene splicing, either leading to an abnormal message that is subject to nonsense-mediated mRNA decay, or to an abnormal protein product if the message is used for protein translation. The c.7471-2A>G variant is not observed in large population cohorts (Lek et al., 2016; 1000 Genomes Consortium et al., 2015; Exome Variant Server). We interpret c.7471-2A>G as a pathogenic variant.